The following is an entry in ClinVar:

NM_001378477.3(NYX):c.455A>C (p.Glu152Ala)

Gene: NYX (nyctalopin; plus strand). Cytogenetic location: Xp11.4.
Variant type: single nucleotide variant.
Coding change: c.455A>C on transcript NM_001378477.3 (MANE Select); coding-DNA position 455, A replaced by C.
Protein change: p.Glu152Ala; replaces glutamic acid 152 with alanine.
Molecular consequence: missense variant.
Genome position (GRCh38, 1-based): chrX:41,473,923, A>C. VCF-style: chrX-41473923-A-C. GRCh37 (hg19) VCF-style: chrX-41333176-A-C.
Other names: c.455A>C, p.Glu152Ala (NM_022567.3); short protein forms E157A, E152A.
Identifiers: ClinVar variation 940219 (VCV000940219.9), dbSNP rs1262312128, ClinGen allele CA412990430.

ClinVar aggregate classification (germline): Uncertain significance (1 of 4 stars; one submission).

Allele frequency attached by ClinVar (database versions not stated): gnomAD 0.00001; TOPMed 0.00001; gnomAD exomes 0.00002.

Submission:

Labcorp Genetics (formerly Invitae), Labcorp
Classification: Uncertain significance. Last evaluated: 2019-09-16. Review status: criteria provided, single submitter. Criteria: Invitae Variant Classification Sherloc (09022015). Collection method: clinical testing. Allele origin: germline.
Comment: Algorithms developed to predict the effect of missense changes on protein structure and function are either unavailable or do not agree on the potential impact of this missense change (SIFT: "Deleterious"; PolyPhen-2: "Probably Damaging"; Align-GVGD: "Class C0"). This variant has not been reported in the literature in individuals with NYX-related conditions. The frequency data for this variant in the population databases is considered unreliable, as metrics indicate insufficient coverage at this position in the ExAC database. This sequence change replaces glutamic acid with alanine at codon 157 of the NYX protein (p.Glu157Ala). The glutamic acid residue is highly conserved and there is a moderate physicochemical difference between glutamic acid and alanine. In summary, the available evidence is currently insufficient to determine the role of this variant in disease. Therefore, it has been classified as a Variant of Uncertain Significance.